The following is an entry in ClinVar:

ClinVar aggregate classification (germline): Uncertain significance (1 of 4 stars; one submission).

Allele frequency attached by ClinVar (database versions not stated): gnomAD exomes below 0.00001; TOPMed below 0.00001.
gnomAD v4.1: 3 of 1,614,108 alleles (0.00019%); highest among the groups gnomAD compares: Admixed American, 0.0017%; no homozygotes.

Submission:

Labcorp Genetics (formerly Invitae), Labcorp
Classification: Uncertain significance. Last evaluated: 2022-10-17. Review status: criteria provided, single submitter. Criteria: Invitae Variant Classification Sherloc (09022015). Collection method: clinical testing. Allele origin: germline.
Comment: This sequence change replaces aspartic acid, which is acidic and polar, with asparagine, which is neutral and polar, at codon 688 of the CNGA1 protein (p.Asp688Asn). This variant is present in population databases (no rsID available, gnomAD 0.006%). This variant has not been reported in the literature in individuals affected with CNGA1-related conditions. ClinVar contains an entry for this variant (Variation ID: 1383588). Algorithms developed to predict the effect of missense changes on protein structure and function output the following: SIFT: "Tolerated"; PolyPhen-2: "Benign"; Align-GVGD: "Class C0". The asparagine amino acid residue is found in multiple mammalian species, which suggests that this missense change does not adversely affect protein function. In summary, the available evidence is currently insufficient to determine the role of this variant in disease. Therefore, it has been classified as a Variant of Uncertain Significance.

NM_001379270.1(CNGA1):c.2050G>A (p.Asp684Asn)

Genes: CNGA1 (cyclic nucleotide gated channel subunit alpha 1; minus strand), LOC101927157 (uncharacterized LOC101927157; plus strand). Cytogenetic location: 4p12.
Variant type: single nucleotide variant.
Coding change: c.2050G>A on transcript NM_001379270.1 (MANE Select); coding-DNA position 2050, G replaced by A.
Protein change: p.Asp684Asn; replaces aspartic acid 684 with asparagine.
Molecular consequence: missense variant.
Genome position (GRCh38, 1-based): chr4:47,936,432, C>T on the plus strand (G>A on the coding strand, the complement: CNGA1 is on the minus strand). VCF-style: chr4-47936432-C-T. GRCh37 (hg19) VCF-style: chr4-47938449-C-T.
Other names: c.2050G>A, p.Asp684Asn (NM_000087.5, NM_001142564.2); short protein forms D684N.
Identifiers: ClinVar variation 1383588 (VCV001383588.4), dbSNP rs867957895, ClinGen allele CA96687652.